The following is an entry in ClinVar:

ClinVar aggregate classification (germline): Benign. Review status: criteria provided, single submitter (1 of 4 stars). 2 submissions from 2 submitters: Benign (1). 1 of the submissions does not count toward it. Last evaluated 2019-12-31.

Conditions:
WIPI2-related disorder. Also called: WIPI2-related condition.

Allele frequency attached by ClinVar (database versions not stated): gnomAD exomes 0.00266; gnomAD 0.02650 and 0.02830; 1000 Genomes Project 0.02935; ESP Exome Variant Server 0.02945; TOPMed 0.02968; 1000 Genomes Project 30x 0.03154.
gnomAD v4.1: 8,104 of 1,613,604 alleles (0.5%); highest among the groups gnomAD compares: African/African-American, 9%; 291 homozygotes.

Submissions (2):

Labcorp Genetics (formerly Invitae), Labcorp
Classification: Benign. Last evaluated: 2019-12-31. Review status: criteria provided, single submitter. Criteria: Invitae Variant Classification Sherloc (09022015). Collection method: clinical testing. Allele origin: germline.

PreventionGenetics, part of Exact Sciences
Classification: Benign for WIPI2-related condition. Last evaluated: 2019-10-29. Review status: no assertion criteria provided. Collection method: clinical testing. Allele origin: germline. Not counted in ClinVar's aggregate classification.
Comment: This variant is classified as benign based on ACMG/AMP sequence variant interpretation guidelines (Richards et al. 2015 PMID: 25741868, with internal and published modifications).

NM_015610.4(WIPI2):c.996C>T (p.Asn332=)

Gene: WIPI2 (WD repeat domain, phosphoinositide interacting 2; plus strand). Cytogenetic location: 7p22.1.
Variant type: single nucleotide variant.
Coding change: c.996C>T on transcript NM_015610.4 (MANE Select); coding-DNA position 996, C replaced by T.
Protein change: p.Asn332=; no amino-acid change (asparagine 332 retained).
Molecular consequence: synonymous variant.
Genome position (GRCh38, 1-based): chr7:5,227,327, C>T. VCF-style: chr7-5227327-C-T. GRCh37 (hg19) VCF-style: chr7-5266958-C-T.
Other names: c.996C>T, p.Asn332= (NM_001033518.2); c.942C>T, p.Asn314= (NM_001033519.2, NM_016003.4); c.819C>T, p.Asn273= (NM_001033520.1); c.564C>T, p.Asn188= (NM_001278299.2); c.996C>T (NM_015610.3).
Identifiers: ClinVar variation 778276 (VCV000778276.6), dbSNP rs28605777, ClinGen allele CA4141913.